The following is an entry in ClinVar:

ClinVar aggregate classification (germline): Uncertain significance. Review status: criteria provided, multiple submitters, no conflicts (2 of 4 stars). 2 submissions from 2 submitters: Uncertain significance (2). Last evaluated 2025-12-03.

Allele frequency attached by ClinVar (database versions not stated): ESP Exome Variant Server 0.00008; gnomAD exomes 0.00009 and 0.00005; ExAC 0.00002; TOPMed 0.00004; gnomAD 0.00007.
gnomAD v4.1: 134 of 1,613,800 alleles (0.0083%); highest among the groups gnomAD compares: Admixed American, 0.022%; no homozygotes.

Submissions (2):

Labcorp Genetics (formerly Invitae), Labcorp
Classification: Uncertain significance. Last evaluated: 2025-12-03. Review status: criteria provided, single submitter. Criteria: Invitae Variant Classification Sherloc (09022015). Collection method: clinical testing. Allele origin: germline.
Comment: This sequence change replaces threonine, which is neutral and polar, with alanine, which is neutral and non-polar, at codon 810 of the MYH7B protein (p.Thr810Ala). This variant is present in population databases (rs376113827, gnomAD 0.03%). This variant has not been reported in the literature in individuals affected with MYH7B-related conditions. ClinVar contains an entry for this variant (Variation ID: 1361442). Invitae Evidence Modeling of protein sequence and biophysical properties (such as structural, functional, and spatial information, amino acid conservation, physicochemical variation, residue mobility, and thermodynamic stability) indicates that this missense variant is expected to disrupt MYH7B protein function with a positive predictive value of 80%. In summary, the available evidence is currently insufficient to determine the role of this variant in disease. Therefore, it has been classified as a Variant of Uncertain Significance.

Ambry Genetics
Classification: Uncertain significance. Last evaluated: 2025-03-26. Review status: criteria provided, single submitter. Criteria: Ambry Variant Classification Scheme 2023. Collection method: clinical testing. Allele origin: germline.

NM_020884.7(MYH7B):c.2302A>G (p.Thr768Ala)

Gene: MYH7B (myosin heavy chain 7B; plus strand). Cytogenetic location: 20q11.22.
Variant type: single nucleotide variant.
Coding change: c.2302A>G on transcript NM_020884.7 (MANE Select); coding-DNA position 2302, A replaced by G.
Protein change: p.Thr768Ala; replaces threonine 768 with alanine.
Molecular consequence: missense variant.
Genome position (GRCh38, 1-based): chr20:34,993,220, A>G. VCF-style: chr20-34993220-A-G. GRCh37 (hg19) VCF-style: chr20-33581023-A-G.
Other names: c.2428A>G (NM_020884.3); short protein forms T768A.
Identifiers: ClinVar variation 1361442 (VCV001361442.7), dbSNP rs376113827, ClinGen allele CA9827308.